The following is an entry in ClinVar:

NM_005732.4(RAD50):c.3298G>T (p.Ala1100Ser)

Gene: RAD50 (RAD50 double strand break repair protein; plus strand). Cytogenetic location: 5q31.1.
Variant type: single nucleotide variant.
Coding change: c.3298G>T on transcript NM_005732.4 (MANE Select); coding-DNA position 3298, G replaced by T.
Protein change: p.Ala1100Ser; replaces alanine 1100 with serine.
Molecular consequence: missense variant.
Genome position (GRCh38, 1-based): chr5:132,618,203, G>T. VCF-style: chr5-132618203-G-T. GRCh37 (hg19) VCF-style: chr5-131953895-G-T.
Other names: short protein forms A1100S.
Identifiers: ClinVar variation 216629 (VCV000216629.14), dbSNP rs863224740, ClinGen allele CA336062.
Genomic context (GRCh38, chr5:132,618,203, plus strand): 5'-GGTTATGAAGAAGAAATTATTCATTTTAAGAAAGAACTTCGAGAACCACAATTTCGGGAT[G>T]CTGAGGAAAAGTATAGAGAAATGATGATTGTTATGAGGACAACAGAACTTGTGAACAAGG-3'
Protein context (NP_005723.2, residues 1090-1110): KELREPQFRD[Ala1100Ser]EEKYREMMIV

ClinVar aggregate classification (germline): Uncertain significance. Review status: criteria provided, multiple submitters, no conflicts (2 of 4 stars). 2 submissions from 2 submitters: Uncertain significance (2). Last evaluated 2024-09-08.

Conditions:
Hereditary cancer-predisposing syndrome. Also called: Hereditary Cancer Syndrome; Hereditary neoplastic syndrome; Neoplastic Syndromes, Hereditary; Tumor predisposition. Identifiers: Orphanet 140162, MedGen C0027672, MeSH D009386, MONDO:0015356.

Submissions (2):

Ambry Genetics
Classification: Uncertain significance for Hereditary cancer-predisposing syndrome. Last evaluated: 2024-09-08. Review status: criteria provided, single submitter. Criteria: Ambry Variant Classification Scheme 2023. Collection method: clinical testing. Allele origin: germline.
Comment: The p.A1100S variant (also known as c.3298G>T), located in coding exon 21 of the RAD50 gene, results from a G to T substitution at nucleotide position 3298. The alanine at codon 1100 is replaced by serine, an amino acid with similar properties. This amino acid position is highly conserved in available vertebrate species. In addition, the in silico prediction for this alteration is inconclusive. Since supporting evidence is limited at this time, the clinical significance of this alteration remains unclear.

Labcorp Genetics (formerly Invitae), Labcorp
Classification: Uncertain significance for Hereditary cancer-predisposing syndrome. Last evaluated: 2023-10-22. Review status: criteria provided, single submitter. Criteria: Invitae Variant Classification Sherloc (09022015). Collection method: clinical testing. Allele origin: germline.
Comment: This sequence change replaces alanine, which is neutral and non-polar, with serine, which is neutral and polar, at codon 1100 of the RAD50 protein (p.Ala1100Ser). This variant is not present in population databases (gnomAD no frequency). This variant has not been reported in the literature in individuals affected with RAD50-related conditions. ClinVar contains an entry for this variant (Variation ID: 216629). Advanced modeling of protein sequence and biophysical properties (such as structural, functional, and spatial information, amino acid conservation, physicochemical variation, residue mobility, and thermodynamic stability) has been performed at Invitae for this missense variant, however the output from this modeling did not meet the statistical confidence thresholds required to predict the impact of this variant on RAD50 protein function. In summary, the available evidence is currently insufficient to determine the role of this variant in disease. Therefore, it has been classified as a Variant of Uncertain Significance.